The following is an entry in ClinVar:

ClinVar aggregate classification (germline): Uncertain significance (1 of 4 stars; one submission).

gnomAD v4.1: 1 of 1,613,862 alleles (0.000062%); highest among the groups gnomAD compares: African/African-American, 0.0013%; no homozygotes.

Submission:

GeneDx
Classification: Uncertain significance. Last evaluated: 2023-05-25. Review status: criteria provided, single submitter. Criteria: GeneDx Variant Classification Process June 2021. Collection method: clinical testing. Allele origin: germline. Affected: yes.
Comment: Not observed at significant frequency in large population cohorts (gnomAD); In silico analysis supports that this missense variant does not alter protein structure/function; Has not been previously published as pathogenic or benign to our knowledge

NM_001378120.1(MBD5):c.2289T>G (p.Asn763Lys)

Gene: MBD5 (methyl-CpG binding domain protein 5; plus strand). Cytogenetic location: 2q23.1.
Variant type: single nucleotide variant.
Coding change: c.2289T>G on transcript NM_001378120.1 (MANE Select); coding-DNA position 2289, T replaced by G.
Protein change: p.Asn763Lys; replaces asparagine 763 with lysine.
Molecular consequence: missense variant.
Genome position (GRCh38, 1-based): chr2:148,470,232, T>G. VCF-style: chr2-148470232-T-G. GRCh37 (hg19) VCF-style: chr2-149227801-T-G.
Other names: c.2289T>G, p.Asn763Lys (NM_018328.5); short protein forms N763K.
Identifiers: ClinVar variation 3343790 (VCV003343790.1).